The following is an entry in ClinVar:

ClinVar aggregate classification (germline): Conflicting classifications of pathogenicity. Review status: criteria provided, conflicting classifications (1 of 4 stars). 4 submissions from 4 submitters: Uncertain significance (3); Benign (1). Last evaluated 2026-05-01.

Conditions:
Hereditary cancer-predisposing syndrome. Also called: Hereditary Cancer Syndrome; Tumor predisposition; Neoplastic Syndromes, Hereditary; Hereditary neoplastic syndrome. Identifiers: Orphanet 140162, MedGen C0027672, MeSH D009386, MONDO:0015356.
Tuberous sclerosis syndrome (TSC). Also called: Tuberous sclerosis; Tuberous Sclerosis Complex. Identifiers: Orphanet 805, MedGen C0041341, MONDO:0001734.
Tuberous sclerosis 2 (TSC2). Identifiers: Orphanet 805, MedGen C1860707, MONDO:0013199, OMIM 613254.

Submissions (4):

CeGaT Center for Human Genetics Tuebingen
Classification: Uncertain significance. Last evaluated: 2026-05-01. Review status: criteria provided, single submitter. Criteria: CeGaT Center For Human Genetics Tuebingen Variant Classification Criteria Version 2. Collection method: clinical testing. Allele origin: germline. Affected: yes. Observed: 1 variant allele.

Labcorp Genetics (formerly Invitae), Labcorp
Classification: Benign for Tuberous sclerosis 2. Last evaluated: 2025-11-03. Review status: criteria provided, single submitter. Criteria: Invitae Variant Classification Sherloc (09022015). Collection method: clinical testing. Allele origin: germline.

Ambry Genetics
Classification: Uncertain significance for Hereditary cancer-predisposing syndrome. Last evaluated: 2023-10-24. Review status: criteria provided, single submitter. Criteria: Ambry Variant Classification Scheme 2023. Collection method: clinical testing. Allele origin: germline.
Comment: The p.P131S variant (also known as c.391C>T), located in coding exon 4 of the TSC2 gene, results from a C to T substitution at nucleotide position 391. The proline at codon 131 is replaced by serine, an amino acid with similar properties. This amino acid position is highly conserved in available vertebrate species. In addition, the in silico prediction for this alteration is inconclusive. Since supporting evidence is limited at this time, the clinical significance of this alteration remains unclear.

All of Us Research Program, National Institutes of Health
Classification: Uncertain significance for Tuberous sclerosis syndrome. Last evaluated: 2023-05-31. Review status: criteria provided, single submitter. Criteria: ACMG Guidelines, 2015. Collection method: clinical testing. Allele origin: germline. Inheritance: Autosomal dominant inheritance. Observed: 1 variant allele, 1 heterozygote.
Comment: This study involves interpretation of variants in research participants for the purpose of population health screening. Participant phenotype was not available at the time of variant classification. Additional details can be found in publication PMID: 35346344, PMCID: PMC8962531

NM_000548.5(TSC2):c.391C>T (p.Pro131Ser)

Gene: TSC2 (TSC complex subunit 2; plus strand). Cytogenetic location: 16p13.3.
Variant type: single nucleotide variant.
Coding change: c.391C>T on transcript NM_000548.5 (MANE Select); coding-DNA position 391, C replaced by T.
Protein change: p.Pro131Ser; replaces proline 131 with serine.
Molecular consequence: missense variant. On other transcripts: intron variant (1).
Genome position (GRCh38, 1-based): chr16:2,054,350, C>T. VCF-style: chr16-2054350-C-T. GRCh37 (hg19) VCF-style: chr16-2104351-C-T.
Other names: c.391C>T, p.Pro131Ser (NM_001077183.3, NM_001114382.3, NM_001363528.2 and 3 more transcripts); c.280C>T, p.Pro94Ser (NM_001318827.2); c.244C>T, p.Pro82Ser (NM_001318829.2); c.424C>T, p.Pro142Ser (NM_001318832.2); c.-1-1846C>T (NM_001318831.2); short protein forms P142S, P82S, P94S, P131S.
Identifiers: ClinVar variation 1384186 (VCV001384186.11), dbSNP rs777398393, ClinGen allele CA394306913.